The following is an entry in ClinVar:

NM_000313.4(PROS1):c.77-1G>C

Gene: PROS1 (protein S; minus strand). Cytogenetic location: 3q11.1.
Variant type: single nucleotide variant.
Coding change: c.77-1G>C on transcript NM_000313.4 (MANE Select); the canonical splice acceptor site of the intron before coding-DNA position 77, G replaced by C.
Molecular consequence: splice acceptor variant.
Genome position (GRCh38, 1-based): chr3:93,927,408, C>G on the plus strand (G>C on the coding strand, the complement: PROS1 is on the minus strand). VCF-style: chr3-93927408-C-G. GRCh37 (hg19) VCF-style: chr3-93646252-C-G.
Other names: p.?; c.173-1G>C (NM_001314077.2).
Identifiers: ClinVar variation 581502 (VCV000581502.16), dbSNP rs759677822, ClinGen allele CA2503595.

ClinVar aggregate classification (germline): Pathogenic. Review status: criteria provided, multiple submitters, no conflicts (2 of 4 stars). 5 submissions from 5 submitters: Pathogenic (5). Last evaluated 2026-05-08.

Conditions:
PROS1-related disorder. Also called: PROS1-related condition.
Thrombophilia due to protein S deficiency, autosomal recessive (THPH6). Identifiers: Orphanet 743, MedGen C3281092, MONDO:0013791, OMIM 614514. Disease mechanism: loss of function.
Thrombophilia due to protein S deficiency, autosomal dominant (THPH5). Identifiers: Orphanet 26349, Orphanet 743, MedGen C3278211, MONDO:0012868, OMIM 612336. Disease mechanism: loss of function.

Allele frequency attached by ClinVar (database versions not stated): gnomAD exomes below 0.00001 and 0.00001; ExAC 0.00001; gnomAD 0.00003; TOPMed 0.00003.
gnomAD v4.1: 5 of 1,613,764 alleles (0.00031%); highest among the groups gnomAD compares: Non-Finnish European, 0.00042%; no homozygotes.

Submissions (5):

GeneDx
Classification: Pathogenic. Last evaluated: 2026-05-08. Review status: criteria provided, single submitter. Criteria: GeneDx Variant Classification Process June 2021. Collection method: clinical testing. Allele origin: germline.
Comment: Canonical splice site variant predicted to result in a null allele in a gene for which loss of function is a known mechanism of disease; Reported in multiple patients in a single family with Protein S deficiency type 1 (PMID: 10456456); Not observed at significant frequency in large population cohorts (gnomAD); This variant is associated with the following publications: (PMID: 25525159, 31068512, 10456456, 26372516, 33537542)

Labcorp Genetics (formerly Invitae), Labcorp
Classification: Pathogenic for Thrombophilia due to protein S deficiency, autosomal recessive. Last evaluated: 2025-12-23. Review status: criteria provided, single submitter. Criteria: Invitae Variant Classification Sherloc (09022015). Collection method: clinical testing. Allele origin: germline.
Comment: This sequence change affects an acceptor splice site in intron 1 of the PROS1 gene. RNA analysis indicates that disruption of this splice site induces altered splicing and may result in an absent or altered protein product. This variant is present in population databases (rs759677822, gnomAD 0.002%). Disruption of this splice site has been observed in individual(s) with protein S deficiency type 1 (PMID: 10456456). This variant is also known as G/C transversion at the invariant splice acceptor site of intron A. ClinVar contains an entry for this variant (Variation ID: 581502). Studies have shown that disruption of this splice site results in aberrant splicing of exon 2, and produces a non-functional protein and/or introduces a premature termination codon (PMID: 10456456). For these reasons, this variant has been classified as Pathogenic.

Mayo Clinic Laboratories, Mayo Clinic
Classification: Pathogenic. Last evaluated: 2025-08-22. Review status: criteria provided, single submitter. Criteria: ACMG Guidelines, 2015. Collection method: clinical testing. Allele origin: germline. Observed: 9 variant alleles.
Comment: PP1, PM2_supporting, PS4, PVS1

PreventionGenetics, part of Exact Sciences
Classification: Pathogenic for PROS1-related condition. Last evaluated: 2024-10-21. Review status: criteria provided, single submitter. Criteria: ACMG Guidelines, 2015. Collection method: clinical testing. Allele origin: germline.
Comment: The PROS1 c.77-1G>C variant is predicted to disrupt the AG splice acceptor site and interfere with normal splicing. This variant has previously been reported to be causative for protein S deficiency (Tatewaki et al. 1999. PubMed ID: 10456456). This variant is reported in 0.0023% of alleles in individuals of European (Non-Finnish) descent in gnomAD. Variants that disrupt the consensus splice acceptor site in PROS1 are expected to be pathogenic. This variant is interpreted as pathogenic.

Baylor Genetics
Classification: Pathogenic for Thrombophilia due to protein S deficiency, autosomal dominant. Last evaluated: 2018-07-16. Review status: criteria provided, single submitter. Criteria: ACMG Guidelines, 2015. Collection method: clinical testing. Allele origin: unknown. Affected: yes.
Comment: This variant was determined to be pathogenic according to ACMG Guidelines, 2015 [PMID:25741868].

Literature cited by the submitters: PubMed 10456456 (cited by Labcorp Genetics (formerly Invitae), Labcorp and Mayo Clinic Laboratories, Mayo Clinic); PubMed 15978566 (cited by Mayo Clinic Laboratories, Mayo Clinic); PubMed 18954896 (cited by Mayo Clinic Laboratories, Mayo Clinic); PubMed 26372516 (cited by Mayo Clinic Laboratories, Mayo Clinic).